The following is an entry in ClinVar:

ClinVar aggregate classification (germline): Uncertain significance (1 of 4 stars; one submission).

gnomAD v4.1: 17 of 1,614,018 alleles (0.0011%); highest among the groups gnomAD compares: Admixed American, 0.018%; no homozygotes.

Submission:

Labcorp Genetics (formerly Invitae), Labcorp
Classification: Uncertain significance. Last evaluated: 2025-02-03. Review status: criteria provided, single submitter. Criteria: Invitae Variant Classification Sherloc (09022015). Collection method: clinical testing. Allele origin: germline.
Comment: This sequence change replaces arginine, which is basic and polar, with histidine, which is basic and polar, at codon 31 of the IGSF10 protein (p.Arg31His). This variant is present in population databases (rs374510873, gnomAD 0.009%). This variant has not been reported in the literature in individuals affected with IGSF10-related conditions. An algorithm developed to predict the effect of missense changes on protein structure and function (PolyPhen-2) suggests that this variant is likely to be tolerated. In summary, the available evidence is currently insufficient to determine the role of this variant in disease. Therefore, it has been classified as a Variant of Uncertain Significance.

NM_178822.5(IGSF10):c.92G>A (p.Arg31His)

Gene: IGSF10 (immunoglobulin superfamily member 10; minus strand). Cytogenetic location: 3q25.1.
Variant type: single nucleotide variant.
Coding change: c.92G>A on transcript NM_178822.5 (MANE Select); coding-DNA position 92, G replaced by A.
Protein change: p.Arg31His; replaces arginine 31 with histidine.
Molecular consequence: missense variant.
Genome position (GRCh38, 1-based): chr3:151,458,618, C>T on the plus strand (G>A on the coding strand, the complement: IGSF10 is on the minus strand). VCF-style: chr3-151458618-C-T. GRCh37 (hg19) VCF-style: chr3-151176406-C-T.
Other names: c.92G>A, p.Arg31His (NM_001385060.1, NM_001385061.1, NM_001385062.1 and 1 more transcripts); short protein forms R31H.
Identifiers: ClinVar variation 3703076 (VCV003703076.2).
Genomic context (GRCh38, chr3:151,458,618, plus strand): 5'-ATGGAAGTCAGGTACCGAAATGTGCAGTGTACCTCCGTAGGCATATAACAGGCACAGCGG[C>T]GAGGACAGGCCTTGCCCCCAGGGGTGGCGACCAGGCAGATCACAGCAAAGGAGACCAGCA-3'
Protein context (NP_849144.2, residues 21-41): VATPGGKACP[Arg31His]RCACYMPTEV